The following is an entry in ClinVar:

NM_138927.4(SON):c.2281A>G (p.Met761Val)

Gene: SON (SON DNA and RNA binding protein; plus strand). Cytogenetic location: 21q22.11.
Variant type: single nucleotide variant.
Coding change: c.2281A>G on transcript NM_138927.4 (MANE Select); coding-DNA position 2281, A replaced by G.
Protein change: p.Met761Val; replaces methionine 761 with valine.
Molecular consequence: missense variant. On other transcripts: non-coding transcript variant (1), intron variant (1).
Genome position (GRCh38, 1-based): chr21:33,551,512, A>G. VCF-style: chr21-33551512-A-G. GRCh37 (hg19) VCF-style: chr21-34923818-A-G.
Other names: c.2281A>G, p.Met761Val (NM_001291411.2, NM_001412133.1, NM_032195.3 and 2 more transcripts); c.244+5133A>G (NM_001291412.3); short protein forms M761V.
Identifiers: ClinVar variation 2413962 (VCV002413962.30), dbSNP rs1027499310, ClinGen allele CA320150338.

ClinVar aggregate classification (germline): Conflicting classifications of pathogenicity. Review status: criteria provided, conflicting classifications (1 of 4 stars). 2 submissions from 2 submitters: Uncertain significance (1); Likely benign (1). Last evaluated 2024-08-29.

Allele frequency attached by ClinVar (database versions not stated): gnomAD 0.00001; gnomAD exomes 0.00002; TOPMed 0.00002.
gnomAD v4.1: 28 of 1,613,734 alleles (0.0017%); highest among the groups gnomAD compares: Non-Finnish European, 0.0024%; no homozygotes.

Submissions (2):

Labcorp Genetics (formerly Invitae), Labcorp
Classification: Uncertain significance. Last evaluated: 2024-08-29. Review status: criteria provided, single submitter. Criteria: Invitae Variant Classification Sherloc (09022015). Collection method: clinical testing. Allele origin: germline.
Comment: This sequence change replaces methionine, which is neutral and non-polar, with valine, which is neutral and non-polar, at codon 761 of the SON protein (p.Met761Val). This variant is present in population databases (no rsID available, gnomAD 0.004%). This variant has not been reported in the literature in individuals affected with SON-related conditions. ClinVar contains an entry for this variant (Variation ID: 2413962). An algorithm developed to predict the effect of missense changes on protein structure and function (PolyPhen-2) suggests that this variant is likely to be disruptive. In summary, the available evidence is currently insufficient to determine the role of this variant in disease. Therefore, it has been classified as a Variant of Uncertain Significance.

CeGaT Center for Human Genetics Tuebingen
Classification: Likely benign. Last evaluated: 2022-10-01. Review status: criteria provided, single submitter. Criteria: CeGaT Center For Human Genetics Tuebingen Variant Classification Criteria Version 2. Collection method: clinical testing. Allele origin: germline. Affected: yes. Observed: 1 variant allele.
Comment: SON: BP4, BS2